The following is an entry in ClinVar:

NM_001164508.2(NEB):c.8171C>T (p.Thr2724Ile)

Gene: NEB (nebulin; minus strand). Cytogenetic location: 2q23.3.
Variant type: single nucleotide variant.
Coding change: c.8171C>T on transcript NM_001164508.2 (MANE Select); coding-DNA position 8171, C replaced by T.
Protein change: p.Thr2724Ile; replaces threonine 2724 with isoleucine.
Molecular consequence: missense variant.
Genome position (GRCh38, 1-based): chr2:151,642,859, G>A on the plus strand (C>T on the coding strand, the complement: NEB is on the minus strand). VCF-style: chr2-151642859-G-A. GRCh37 (hg19) VCF-style: chr2-152499373-G-A.
Other names: c.8171C>T, p.Thr2724Ile (NM_001164507.2, NM_001271208.2, NM_004543.5); c.8171C>T (NM_004543.4); short protein forms T2724I.
Identifiers: ClinVar variation 2198353 (VCV002198353.2), dbSNP rs373868916, ClinGen allele CA57667555.

ClinVar aggregate classification (germline): Uncertain significance. Review status: criteria provided, multiple submitters, no conflicts (2 of 4 stars). 2 submissions from 2 submitters: Uncertain significance (2). Last evaluated 2025-02-13.

Conditions:
Inborn genetic diseases. Identifiers: MedGen C0950123, MeSH D030342.
Nemaline myopathy 2 (NEM2). Also called: Nemaline myopathy 2, autosomal recessive. Identifiers: MedGen C1850569, MONDO:0009725, OMIM 256030.

Allele frequency attached by ClinVar (database versions not stated): gnomAD 0.00001; gnomAD exomes 0.00001; TOPMed 0.00002; ESP Exome Variant Server 0.00008.
gnomAD v4.1: 14 of 1,608,274 alleles (0.00087%); highest among the groups gnomAD compares: Non-Finnish European, 0.0012%; no homozygotes.

Submissions (2):

Ambry Genetics
Classification: Uncertain significance for Inborn genetic diseases. Last evaluated: 2025-02-13. Review status: criteria provided, single submitter. Criteria: Ambry Variant Classification Scheme 2023. Collection method: clinical testing. Allele origin: germline.

Labcorp Genetics (formerly Invitae), Labcorp
Classification: Uncertain significance for Nemaline myopathy 2. Last evaluated: 2022-01-28. Review status: criteria provided, single submitter. Criteria: Invitae Variant Classification Sherloc (09022015). Collection method: clinical testing. Allele origin: germline.
Comment: This sequence change replaces threonine, which is neutral and polar, with isoleucine, which is neutral and non-polar, at codon 2724 of the NEB protein (p.Thr2724Ile). This variant is not present in population databases (gnomAD no frequency). This variant has not been reported in the literature in individuals affected with NEB-related conditions. Algorithms developed to predict the effect of missense changes on protein structure and function are either unavailable or do not agree on the potential impact of this missense change (SIFT: "Deleterious"; PolyPhen-2: "Not Available"; Align-GVGD: "Class C0"). In summary, the available evidence is currently insufficient to determine the role of this variant in disease. Therefore, it has been classified as a Variant of Uncertain Significance.